The following is an entry in ClinVar:

NM_001287.6(CLCN7):c.896C>T (p.Ala299Val)

Gene: CLCN7 (Cl-/H+ antiporter 7; minus strand). Cytogenetic location: 16p13.3.
Variant type: single nucleotide variant.
Coding change: c.896C>T on transcript NM_001287.6 (MANE Select); coding-DNA position 896, C replaced by T.
Protein change: p.Ala299Val; replaces alanine 299 with valine.
Molecular consequence: missense variant.
Genome position (GRCh38, 1-based): chr16:1,456,133, G>A on the plus strand (C>T on the coding strand, the complement: CLCN7 is on the minus strand). VCF-style: chr16-1456133-G-A. GRCh37 (hg19) VCF-style: chr16-1506134-G-A.
Other names: c.896C>T (NM_001287.5); c.824C>T, p.Ala275Val (NM_001114331.3); short protein forms A275V, A299V.
Identifiers: ClinVar variation 2736271 (VCV002736271.4), dbSNP rs977932714, ClinGen allele CA276677948.

ClinVar aggregate classification (germline): Likely pathogenic. Review status: criteria provided, multiple submitters, no conflicts (2 of 4 stars). 2 submissions from 2 submitters: Likely pathogenic (2). Last evaluated 2025-09-22.

Conditions:
CLCN7-related disorder. Also called: CLCN7-related condition.

gnomAD v4.1: 4 of 1,560,792 alleles (0.00026%); highest among the groups gnomAD compares: Admixed American, 0.0019%; no homozygotes.

Submissions (2):

PreventionGenetics, part of Exact Sciences
Classification: Likely pathogenic for CLCN7-related condition. Last evaluated: 2025-09-22. Review status: criteria provided, single submitter. Criteria: ACMG Guidelines, 2015. Collection method: clinical testing. Allele origin: germline.
Comment: The CLCN7 c.896C>T variant is predicted to result in the amino acid substitution p.Ala299Val. This variant has been reported in the homozygous and presumed compound heterozygous state with a second CLCN7 variant in two unrelated individuals with autosomal recessive infantile malignant osteopetrosis (Zeng et al. 2016. PubMed ID: 26477479; Di Zanni et al. 2021. PubMed ID: 33125761). This variant has also been reported in the heterozygous state in an individual with autosomal dominant osteopetrosis who inherited the variant from their unaffected mother (Zheng et al. 2014. PubMed ID: 23953223). In vitro studies of this variant in HEK293 cells showed impaired lysosomal trafficking and a complete loss of chloride transport activity (Di Zanni et al. 2021. PubMed ID: 33125761). This variant has not been reported in a large population database (gnomAD), indicating this variant is rare. An alternate missense variant of the same amino acid (p.Ala299Glu) has also been reported in an individual with autosomal recessive osteopetrosis and shown to be functionally damaging (Di Zanni et al. 2021. PubMed ID: 33125761). Taken together, the p.Ala299Val variant is interpreted as likely pathogenic.

Labcorp Genetics (formerly Invitae), Labcorp
Classification: Likely pathogenic. Last evaluated: 2024-03-05. Review status: criteria provided, single submitter. Criteria: Invitae Variant Classification Sherloc (09022015). Collection method: clinical testing. Allele origin: germline.
Comment: This sequence change replaces alanine, which is neutral and non-polar, with valine, which is neutral and non-polar, at codon 299 of the CLCN7 protein (p.Ala299Val). This variant is not present in population databases (gnomAD no frequency). This missense change has been observed in individual(s) with autosomal recessive osteopetrosis (PMID: 26477479, 33125761). In at least one individual the data is consistent with being in trans (on the opposite chromosome) from a pathogenic variant. This variant has been reported in individual(s) with autosomal dominant osteopetrosis (PMID: 23953223); however, the role of the variant in this condition is currently unclear. An algorithm developed to predict the effect of missense changes on protein structure and function (PolyPhen-2) suggests that this variant is likely to be disruptive. Experimental studies have shown that this missense change affects CLCN7 function (PMID: 35159175). In summary, the currently available evidence indicates that the variant is pathogenic, but additional data are needed to prove that conclusively. Therefore, this variant has been classified as Likely Pathogenic.

Literature cited by the submitters: PubMed 26477479 (cited by Labcorp Genetics (formerly Invitae), Labcorp); PubMed 33125761 (cited by Labcorp Genetics (formerly Invitae), Labcorp); PubMed 23953223 (cited by Labcorp Genetics (formerly Invitae), Labcorp); PubMed 35159175 (cited by Labcorp Genetics (formerly Invitae), Labcorp).